The following is an entry in ClinVar:

NM_024649.5(BBS1):c.1256dup (p.Ala420fs)

Genes: BBS1 (Bardet-Biedl syndrome 1; plus strand), ZDHHC24 (zDHHC palmitoyltransferase 24; minus strand). Cytogenetic location: 11q13.2.
Variant type: Duplication.
Coding change: c.1256dup on transcript NM_024649.5 (MANE Select); coding-DNA position 1256, one base duplicated (C; older notation c.1256dupC).
Protein change: p.Ala420fs; shifts the reading frame from alanine 420.
Molecular consequence: frameshift variant. On other transcripts: intron variant (1).
Genome position (GRCh38, 1-based): chr11:66,526,724, C duplicated; the last of 2 consecutive C bases (chr11:66,526,723-66,526,724); duplicating either gives the same sequence. VCF-style (leftmost placement, unchanged base first): chr11-66526722-A-AC. GRCh37 (hg19) VCF-style: chr11-66294193-A-AC.
Other names: c.*21+213dup (NM_001348571.2); short protein forms A420fs.
Identifiers: ClinVar variation 5011769 (VCV005011769.1).

ClinVar aggregate classification (germline): Pathogenic (1 of 4 stars; one submission).

Conditions:
Bardet-Biedl syndrome 1 (BBS1). Identifiers: MedGen C2936862, MONDO:0008854, OMIM 209900. Disease mechanism: loss of function.

Submission:

Myriad Genetics, Inc.
Classification: Pathogenic for Bardet-Biedl syndrome 1. Last evaluated: 2023-09-27. Review status: criteria provided, single submitter. Criteria: Myriad Autosomal Dominant, Autosomal Recessive and X-Linked Classification Criteria (2023). Collection method: clinical testing. Allele origin: unknown.
Comment: NM_024649.4(BBS1):c.1256dupC(A420Sfs*81) is expected to be pathogenic in the context of Bardet-Biedl syndrome, BBS1-related. This variant is predicted to lead to an abnormal or absent protein product due to the creation of a premature termination codon in BBS1, a gene where loss-of-function variants are known to be pathogenic. Please note: this variant was assessed in the context of healthy population screening.